The following is an entry in ClinVar:

NM_000535.7(PMS2):c.1756T>G (p.Ser586Ala)

Gene: PMS2 (PMS1 homolog 2, mismatch repair system component; minus strand). Cytogenetic location: 7p22.1.
Variant type: single nucleotide variant.
Coding change: c.1756T>G on transcript NM_000535.7 (MANE Select); coding-DNA position 1756, T replaced by G.
Protein change: p.Ser586Ala; replaces serine 586 with alanine.
Molecular consequence: missense variant. On other transcripts: non-coding transcript variant (1), intron variant (1).
Genome position (GRCh38, 1-based): chr7:5,987,009, A>C on the plus strand (T>G on the coding strand, the complement: PMS2 is on the minus strand). VCF-style: chr7-5987009-A-C. GRCh37 (hg19) VCF-style: chr7-6026640-A-C.
Other names: c.1351T>G, p.Ser451Ala (NM_001322003.2, NM_001322004.2, NM_001322005.2 and 16 more transcripts); c.1600T>G, p.Ser534Ala (NM_001322006.2, NM_001406870.1); c.1438T>G, p.Ser480Ala (NM_001322007.2, NM_001322008.2, NM_001406876.1 and 2 more transcripts); c.1195T>G, p.Ser399Ala (NM_001322010.2, NM_001406906.1, NM_001406907.1); c.823T>G, p.Ser275Ala (NM_001322011.2, NM_001322012.2); c.1183T>G, p.Ser395Ala (NM_001322013.2, NM_001406909.1); c.1756T>G, p.Ser586Ala (NM_001322014.2, NM_001406871.1, NM_001406872.1); c.1447T>G, p.Ser483Ala (NM_001322015.2, NM_001406875.1, NM_001406877.1 and 5 more transcripts); and 13 more; short protein forms S275A, S428A, S483A, S395A, S464A, S480A, S530A, S586A.
Identifiers: ClinVar variation 4711027 (VCV004711027.1).

ClinVar aggregate classification (germline): Uncertain significance (1 of 4 stars; one submission).

Conditions:
Hereditary nonpolyposis colorectal neoplasms. Identifiers: MedGen C0009405, MeSH D003123.

Submission:

Labcorp Genetics (formerly Invitae), Labcorp
Classification: Uncertain significance for Hereditary nonpolyposis colorectal neoplasms. Last evaluated: 2025-03-09. Review status: criteria provided, single submitter. Criteria: Invitae Variant Classification Sherloc (09022015). Collection method: clinical testing. Allele origin: germline.
Comment: This sequence change replaces serine, which is neutral and polar, with alanine, which is neutral and non-polar, at codon 586 of the PMS2 protein (p.Ser586Ala). This variant is not present in population databases (gnomAD no frequency). This variant has not been reported in the literature in individuals affected with PMS2-related conditions. Invitae Evidence Modeling incorporating data from in vitro experimental studies (internal data) indicates that this missense variant is not expected to disrupt PMS2 function with a negative predictive value of 95%. In summary, the available evidence is currently insufficient to determine the role of this variant in disease. Therefore, it has been classified as a Variant of Uncertain Significance.